The following is an entry in ClinVar:

ClinVar aggregate classification (germline): Uncertain significance (1 of 4 stars; one submission).

Allele frequency attached by ClinVar (database versions not stated): gnomAD exomes below 0.00001.

Submission:

Labcorp Genetics (formerly Invitae), Labcorp
Classification: Uncertain significance. Last evaluated: 2021-03-16. Review status: criteria provided, single submitter. Criteria: Invitae Variant Classification Sherloc (09022015). Collection method: clinical testing. Allele origin: germline.
Comment: This variant has not been reported in the literature in individuals with PPP2R1A-related conditions. In summary, the available evidence is currently insufficient to determine the role of this variant in disease. Therefore, it has been classified as a Variant of Uncertain Significance. Algorithms developed to predict the effect of missense changes on protein structure and function are either unavailable or do not agree on the potential impact of this missense change (SIFT: "Tolerated"; PolyPhen-2: "Possibly Damaging"; Align-GVGD: "Class C0"). This variant is not present in population databases (ExAC no frequency). This sequence change replaces proline with serine at codon 285 of the PPP2R1A protein (p.Pro285Ser). The proline residue is highly conserved and there is a moderate physicochemical difference between proline and serine.

NM_014225.6(PPP2R1A):c.853C>T (p.Pro285Ser)

Gene: PPP2R1A (protein phosphatase 2 scaffold subunit Aalpha; plus strand). Cytogenetic location: 19q13.41.
Variant type: single nucleotide variant.
Coding change: c.853C>T on transcript NM_014225.6 (MANE Select); coding-DNA position 853, C replaced by T.
Protein change: p.Pro285Ser; replaces proline 285 with serine.
Molecular consequence: missense variant. On other transcripts: non-coding transcript variant (1).
Genome position (GRCh38, 1-based): chr19:52,215,824, C>T. VCF-style: chr19-52215824-C-T. GRCh37 (hg19) VCF-style: chr19-52719077-C-T.
Other names: c.316C>T, p.Pro106Ser (NM_001363656.2); short protein forms P106S, P285S.
Identifiers: ClinVar variation 1517064 (VCV001517064.8), dbSNP rs2122348491, ClinGen allele CA407186272.
Genomic context (GRCh38, chr19:52,215,824, plus strand): 5'-CCTTCCTGTCTGCAGCTCCAGAAAGCAGTGGGGCCTGAGATCACCAAGACAGACCTGGTC[C>T]CTGCCTTCCAGAACCTGATGAAAGACTGTGAGGCCGAGGTGAGGGCCGCAGCCTCCCACA-3'
Protein context (NP_055040.2, residues 275-295): GPEITKTDLV[Pro285Ser]AFQNLMKDCE